The following is an entry in ClinVar:

NM_001001331.4(ATP2B2):c.394G>A (p.Glu132Lys)

Gene: ATP2B2 (ATPase plasma membrane Ca2+ transporting 2; minus strand). Cytogenetic location: 3p25.3.
Variant type: single nucleotide variant.
Coding change: c.394G>A on transcript NM_001001331.4 (MANE Select); coding-DNA position 394, G replaced by A.
Protein change: p.Glu132Lys; replaces glutamic acid 132 with lysine.
Molecular consequence: missense variant.
Genome position (GRCh38, 1-based): chr3:10,410,621, C>T on the plus strand (G>A on the coding strand, the complement: ATP2B2 is on the minus strand). VCF-style: chr3-10410621-C-T. GRCh37 (hg19) VCF-style: chr3-10452305-C-T.
Other names: c.394G>A (NM_001683.3); c.394G>A, p.Glu132Lys (NM_001330611.3, NM_001353564.1, NM_001363862.1 and 1 more transcripts); short protein forms E132K.
Identifiers: ClinVar variation 2957711 (VCV002957711.4), dbSNP rs758872197, ClinGen allele CA2254034.

ClinVar aggregate classification (germline): Uncertain significance. Review status: criteria provided, multiple submitters, no conflicts (2 of 4 stars). 2 submissions from 2 submitters: Uncertain significance (2). Last evaluated 2024-12-17.

Allele frequency attached by ClinVar (database versions not stated): TOPMed below 0.00001; ExAC 0.00002; gnomAD 0.00001; gnomAD exomes 0.00001.
gnomAD v4.1: 11 of 1,604,016 alleles (0.00069%); highest among the groups gnomAD compares: Admixed American, 0.0034%; no homozygotes.

Submissions (2):

Ambry Genetics
Classification: Uncertain significance. Last evaluated: 2024-12-17. Review status: criteria provided, single submitter. Criteria: Ambry Variant Classification Scheme 2023. Collection method: clinical testing. Allele origin: germline.

Labcorp Genetics (formerly Invitae), Labcorp
Classification: Uncertain significance. Last evaluated: 2022-12-31. Review status: criteria provided, single submitter. Criteria: Invitae Variant Classification Sherloc (09022015). Collection method: clinical testing. Allele origin: germline.
Comment: This variant is present in population databases (rs758872197, gnomAD 0.006%). In summary, the available evidence is currently insufficient to determine the role of this variant in disease. Therefore, it has been classified as a Variant of Uncertain Significance. Advanced modeling of protein sequence and biophysical properties (such as structural, functional, and spatial information, amino acid conservation, physicochemical variation, residue mobility, and thermodynamic stability) performed at Invitae indicates that this missense variant is not expected to disrupt ATP2B2 protein function. This variant has not been reported in the literature in individuals affected with ATP2B2-related conditions. This sequence change replaces glutamic acid, which is acidic and polar, with lysine, which is basic and polar, at codon 132 of the ATP2B2 protein (p.Glu132Lys).